The following is an entry in ClinVar:

ClinVar aggregate classification (germline): Uncertain significance (1 of 4 stars; one submission).

gnomAD v4.1: 31 of 1,612,840 alleles (0.0019%); highest among the groups gnomAD compares: Admixed American, 0.0083%; no homozygotes.

Submission:

Labcorp Genetics (formerly Invitae), Labcorp
Classification: Uncertain significance. Last evaluated: 2025-12-28. Review status: criteria provided, single submitter. Criteria: Invitae Variant Classification Sherloc (09022015). Collection method: clinical testing. Allele origin: germline.
Comment: This sequence change replaces arginine, which is basic and polar, with cysteine, which is neutral and slightly polar, at codon 634 of the TRAP1 protein (p.Arg634Cys). This variant is present in population databases (rs775520077, gnomAD 0.02%). This variant has not been reported in the literature in individuals affected with TRAP1-related conditions. Invitae Evidence Modeling of protein sequence and biophysical properties (such as structural, functional, and spatial information, amino acid conservation, physicochemical variation, residue mobility, and thermodynamic stability) indicates that this missense variant is expected to disrupt TRAP1 protein function with a positive predictive value of 80%. In summary, the available evidence is currently insufficient to determine the role of this variant in disease. Therefore, it has been classified as a Variant of Uncertain Significance.

NM_016292.3(TRAP1):c.1900C>T (p.Arg634Cys)

Genes: DNASE1 (deoxyribonuclease 1; plus strand), TRAP1 (TNF receptor associated protein 1; minus strand). Cytogenetic location: 16p13.3.
Variant type: single nucleotide variant.
Coding change: c.1900C>T on transcript NM_016292.3 (MANE Select); coding-DNA position 1900, C replaced by T.
Protein change: p.Arg634Cys; replaces arginine 634 with cysteine.
Molecular consequence: missense variant. On other transcripts: intron variant (1).
Genome position (GRCh38, 1-based): chr16:3,662,027, G>A on the plus strand (C>T on the coding strand, the complement: TRAP1 is on the minus strand). VCF-style: chr16-3662027-G-A. GRCh37 (hg19) VCF-style: chr16-3712028-G-A.
Other names: c.1741C>T, p.Arg581Cys (NM_001272049.2); c.*22-619G>A (NM_001387140.1); short protein forms R581C, R634C.
Identifiers: ClinVar variation 4748802 (VCV004748802.1).